The following is an entry in ClinVar:

ClinVar aggregate classification (germline): Uncertain significance. Review status: criteria provided, multiple submitters, no conflicts (2 of 4 stars). 5 submissions from 4 submitters: Uncertain significance (5). Last evaluated 2025-10-07.

Conditions:
Leber congenital amaurosis 2 (LCA2). Also called: AMAUROSIS CONGENITA OF LEBER II; Autosomal Recessive RPE65-Related Retinal Degeneration. Identifiers: Orphanet 65, MedGen C1859844, MONDO:0008765, OMIM 204100. Disease mechanism: loss of function.
Retinitis pigmentosa 20 (RP20). Identifiers: Orphanet 791, MedGen C3151086, MONDO:0013425, OMIM 613794.
RPE65-related recessive retinopathy. Also called: Recessive RPE65 retinopathy. Identifiers: MedGen CN305526, MONDO:0100368.
Retinitis pigmentosa (RP). Identifiers: Orphanet 791, MedGen C0035334, MeSH D012174, MONDO:0019200, OMIM 268000. Inheritance: Autosomal dominant, autosomal recessive and X linked inheritance.

gnomAD v4.1: 16 of 1,613,670 alleles (0.00099%); highest among the groups gnomAD compares: Middle Eastern, 0.016%; no homozygotes.

Submissions (5):

Myriad Genetics, Inc.
Classification: Uncertain significance for RPE65-related recessive retinopathy. Last evaluated: 2025-10-07. Review status: criteria provided, single submitter. Criteria: Myriad Autosomal Dominant, Autosomal Recessive and X-Linked Classification Criteria (2023). Collection method: clinical testing. Allele origin: unknown.
Comment: NM_000329.2(RPE65):c.718G>A(V240I) is a missense variant classified as a variant of uncertain significance in the context of inherited retinal dystrophy, RPE65-related. V240I has been observed in a case with relevant disease (PMID: 38927702). Relevant functional assessments of this variant are not available in the literature. V240I has been observed in referenced population frequency databases. In summary, there is insufficient evidence to classify NM_000329.2(RPE65):c.718G>A(V240I) as pathogenic or benign. Please note: this variant was assessed in the context of healthy population screening.

Women's Health and Genetics/Laboratory Corporation of America, LabCorp
Classification: Uncertain significance. Last evaluated: 2025-06-11. Review status: criteria provided, single submitter. Criteria: LabCorp Variant Classification Summary - May 2015. Collection method: clinical testing. Allele origin: germline.
Comment: Variant summary: RPE65 c.718G>A (p.Val240Ile) results in a conservative amino acid change in the encoded protein sequence. Algorithms developed to predict the effect of missense changes on protein structure and function are either unavailable or do not agree on the potential impact of this missense change. The variant allele was found at a frequency of 4e-06 in 251356 control chromosomes. The available data on variant occurrences in the general population are insufficient to allow any conclusion about variant significance. c.718G>A has been observed in a heterozygous individual without second RPE65 variant affected with rode-cone dystrophy (e.g. Mihalich_2024). These report(s) do not provide unequivocal conclusions about association of the variant with Leber Congenital Amaurosis. To our knowledge, no experimental evidence demonstrating an impact on protein function has been reported. The following publication has been ascertained in the context of this evaluation (PMID: 38927702). ClinVar contains an entry for this variant (Variation ID: 875163). Based on the evidence outlined above, the variant was classified as uncertain significance.

Labcorp Genetics (formerly Invitae), Labcorp
Classification: Uncertain significance for Leber congenital amaurosis 2; Retinitis pigmentosa 20. Last evaluated: 2022-07-14. Review status: criteria provided, single submitter. Criteria: Invitae Variant Classification Sherloc (09022015). Collection method: clinical testing. Allele origin: germline.
Comment: This sequence change replaces valine, which is neutral and non-polar, with isoleucine, which is neutral and non-polar, at codon 240 of the RPE65 protein (p.Val240Ile). This variant is present in population databases (rs192907397, gnomAD 0.006%). This variant has not been reported in the literature in individuals affected with RPE65-related conditions. ClinVar contains an entry for this variant (Variation ID: 875163). Algorithms developed to predict the effect of missense changes on protein structure and function (SIFT, PolyPhen-2, Align-GVGD) all suggest that this variant is likely to be tolerated. This variant disrupts the p.Val240 amino acid residue in RPE65. Other variant(s) that disrupt this residue have been determined to be pathogenic (PMID: 30870047; Invitae). This suggests that this residue is clinically significant, and that variants that disrupt this residue are likely to be disease-causing. In summary, the available evidence is currently insufficient to determine the role of this variant in disease. Therefore, it has been classified as a Variant of Uncertain Significance.

Illumina Laboratory Services, Illumina
Classification: Uncertain significance for Retinitis pigmentosa. Last evaluated: 2018-01-13. Review status: criteria provided, single submitter. Criteria: ICSL Variant Classification Criteria 13 December 2019. Collection method: clinical testing. Allele origin: germline.

Illumina Laboratory Services, Illumina
Classification: Uncertain significance for Leber congenital amaurosis 2. Last evaluated: 2018-01-13. Review status: criteria provided, single submitter. Criteria: ICSL Variant Classification Criteria 13 December 2019. Collection method: clinical testing. Allele origin: germline.

Literature cited by the submitters: PubMed 38927702 (cited by Myriad Genetics, Inc. and Women's Health and Genetics/Laboratory Corporation of America, LabCorp); PubMed 30870047 (cited by Labcorp Genetics (formerly Invitae), Labcorp).

NM_000329.3(RPE65):c.718G>A (p.Val240Ile)

Gene: RPE65 (retinoid isomerohydrolase RPE65; minus strand). Cytogenetic location: 1p31.3.
Variant type: single nucleotide variant.
Coding change: c.718G>A on transcript NM_000329.3 (MANE Select); coding-DNA position 718, G replaced by A.
Protein change: p.Val240Ile; replaces valine 240 with isoleucine.
Molecular consequence: missense variant.
Genome position (GRCh38, 1-based): chr1:68,439,568, C>T on the plus strand (G>A on the coding strand, the complement: RPE65 is on the minus strand). VCF-style: chr1-68439568-C-T. GRCh37 (hg19) VCF-style: chr1-68905251-C-T.
Other names: short protein forms V240I.
Identifiers: ClinVar variation 875163 (VCV000875163.7), dbSNP rs192907397, ClinGen allele CA902423.